The following is an entry in ClinVar:

ClinVar aggregate classification (germline): Uncertain significance. Review status: criteria provided, multiple submitters, no conflicts (2 of 4 stars). 2 submissions from 2 submitters: Uncertain significance (2). Last evaluated 2021-12-23.

Submissions (2):

Labcorp Genetics (formerly Invitae), Labcorp
Classification: Uncertain significance. Last evaluated: 2021-12-23. Review status: criteria provided, single submitter. Criteria: Invitae Variant Classification Sherloc (09022015). Collection method: clinical testing. Allele origin: germline.
Comment: In summary, the available evidence is currently insufficient to determine the role of this variant in disease. Therefore, it has been classified as a Variant of Uncertain Significance. Experimental studies and prediction algorithms are not available or were not evaluated, and the functional significance of this variant is currently unknown. This variant has not been reported in the literature in individuals affected with CNGB1-related conditions. This variant is present in population databases (rs781337569, gnomAD 0.003%). This sequence change creates a premature translational stop signal (p.Gly1230Alafs*11) in the CNGB1 gene. While this is not anticipated to result in nonsense mediated decay, it is expected to disrupt the last 22 amino acid(s) of the CNGB1 protein.

Blueprint Genetics
Classification: Uncertain significance. Last evaluated: 2019-09-10. Review status: criteria provided, single submitter. Criteria: ACMG Guidelines, 2015. Collection method: clinical testing. Allele origin: germline.

NM_001297.5(CNGB1):c.3689del (p.Gly1230fs)

Gene: CNGB1 (cyclic nucleotide gated channel subunit beta 1; minus strand). Cytogenetic location: 16q21.
Variant type: Deletion.
Coding change: c.3689del on transcript NM_001297.5 (MANE Select); coding-DNA position 3689, one base deleted (G; older notation c.3689delG).
Protein change: p.Gly1230fs; shifts the reading frame from glycine 1230.
Molecular consequence: frameshift variant.
Genome position (GRCh38, 1-based): chr16:57,884,231, C deleted on the plus strand (G on the coding strand, the reverse complement: CNGB1 is on the minus strand); the first of 3 consecutive C bases (chr16:57,884,231-57,884,233); deleting any one gives the same sequence. VCF-style (leftmost placement, unchanged base first): chr16-57884230-GC-G. GRCh37 (hg19) VCF-style: chr16-57918134-GC-G.
Other names: c.3671del, p.Gly1224fs (NM_001286130.2); short protein forms G1224fs, G1230fs.
Identifiers: ClinVar variation 1499792 (VCV001499792.7), dbSNP rs781337569, ClinGen allele CA8082476.
Genomic context (GRCh38, chr16:57,884,230, plus strand): 5'-CGCCTTCTCCTCCCTTTCCTCCGGCATCTTCACCGACAGGATCTGCTCTCCCGGCTCCGG[GC>G]CCGGGCTCATGCAGATCCTCACCGAGTGCTCTTCGGGCTCGGCCGGCCCCTCCTCCTCTC-3'